The following is an entry in ClinVar:

NM_033116.6(NEK9):c.360C>T (p.Asp120=)

Gene: NEK9 (NIMA related kinase 9; minus strand). Cytogenetic location: 14q24.3.
Variant type: single nucleotide variant.
Coding change: c.360C>T on transcript NM_033116.6 (MANE Select); coding-DNA position 360, C replaced by T.
Protein change: p.Asp120=; no amino-acid change (aspartic acid 120 retained).
Molecular consequence: synonymous variant.
Genome position (GRCh38, 1-based): chr14:75,124,083, G>A on the plus strand (C>T on the coding strand, the complement: NEK9 is on the minus strand). VCF-style: chr14-75124083-G-A. GRCh37 (hg19) VCF-style: chr14-75590786-G-A.
Other names: c.360C>T, p.Asp120= (NM_001329237.2); c.6C>T, p.Asp2= (NM_001329238.2).
Identifiers: ClinVar variation 3029222 (VCV003029222.2), dbSNP rs375063665, ClinGen allele CA263680882.

ClinVar aggregate classification (germline): Likely benign (0 of 4 stars; one submission).

Conditions:
NEK9-related disorder. Also called: NEK9-related condition.

Allele frequency attached by ClinVar (database versions not stated): gnomAD exomes below 0.00001.
gnomAD v4.1: 12 of 1,614,056 alleles (0.00074%); highest among the groups gnomAD compares: East Asian, 0.0067%; no homozygotes.

Submission:

PreventionGenetics, part of Exact Sciences
Classification: Likely benign for NEK9-related condition. Last evaluated: 2022-02-25. Review status: no assertion criteria provided. Collection method: clinical testing. Allele origin: germline.
Comment: This variant is classified as likely benign based on ACMG/AMP sequence variant interpretation guidelines (Richards et al. 2015 PMID: 25741868, with internal and published modifications).